The following is an entry in ClinVar:

NM_170784.3(MKKS):c.264C>T (p.Phe88=)

Gene: MKKS (MKKS centrosomal shuttling protein; minus strand). Cytogenetic location: 20p12.2.
Variant type: single nucleotide variant.
Coding change: c.264C>T on transcript NM_170784.3 (MANE Select); coding-DNA position 264, C replaced by T.
Protein change: p.Phe88=; no amino-acid change (phenylalanine 88 retained).
Molecular consequence: synonymous variant.
Genome position (GRCh38, 1-based): chr20:10,413,251, G>A on the plus strand (C>T on the coding strand, the complement: MKKS is on the minus strand). VCF-style: chr20-10413251-G-A. GRCh37 (hg19) VCF-style: chr20-10393899-G-A.
Other names: c.264C>T, p.Phe88= (NM_018848.3).
Identifiers: ClinVar variation 4784007 (VCV004784007.2).

ClinVar aggregate classification (germline): Likely benign. Review status: criteria provided, multiple submitters, no conflicts (2 of 4 stars). 2 submissions from 2 submitters: Likely benign (2). Last evaluated 2025-05-21.

Conditions:
MKKS-related disorder. Also called: MKKS-related disorders; MKKS-related condition.
Bardet-Biedl syndrome (BBS). Identifiers: Orphanet 110, MedGen C0752166, MONDO:0015229.
McKusick-Kaufman syndrome (MKKS). Also called: HYDROMETROCOLPOS SYNDROME; HYDROMETROCOLPOS, POSTAXIAL POLYDACTYLY, AND CONGENITAL HEART MALFORMATION. Identifiers: Orphanet 2473, MedGen C0948368, MONDO:0009367, OMIM 236700.

gnomAD v4.1: 1 of 1,614,206 alleles (0.000062%); highest among the groups gnomAD compares: Admixed American, 0.0017%; no homozygotes.

Submissions (2):

Labcorp Genetics (formerly Invitae), Labcorp
Classification: Likely benign for McKusick-Kaufman syndrome; Bardet-Biedl syndrome. Last evaluated: 2025-05-21. Review status: criteria provided, single submitter. Criteria: Invitae Variant Classification Sherloc (09022015). Collection method: clinical testing. Allele origin: germline.

PreventionGenetics, part of Exact Sciences
Classification: Likely benign for MKKS-related condition. Last evaluated: 2025-01-29. Review status: criteria provided, single submitter. Criteria: ACMG Guidelines, 2015. Collection method: clinical testing. Allele origin: germline.
Comment: This variant is classified as likely benign based on ACMG/AMP sequence variant interpretation guidelines (Richards et al. 2015 PMID: 25741868, with internal and published modifications).